The following is an entry in ClinVar:

NM_000312.4(PROC):c.927C>T (p.Ala309=)

Gene: PROC (protein C, inactivator of coagulation factors Va and VIIIa; plus strand). Cytogenetic location: 2q14.3.
Variant type: single nucleotide variant.
Coding change: c.927C>T on transcript NM_000312.4 (MANE Select); coding-DNA position 927, C replaced by T.
Protein change: p.Ala309=; no amino-acid change (alanine 309 retained).
Molecular consequence: synonymous variant.
Genome position (GRCh38, 1-based): chr2:127,428,487, C>T. VCF-style: chr2-127428487-C-T. GRCh37 (hg19) VCF-style: chr2-128186063-C-T.
Other names: c.1110C>T, p.Ala370= (NM_001375602.1); c.1092C>T, p.Ala364= (NM_001375603.1); c.990C>T, p.Ala330= (NM_001375604.1); c.1029C>T, p.Ala343= (NM_001375605.1); c.1095C>T, p.Ala365= (NM_001375606.1); c.1113C>T, p.Ala371= (NM_001375607.1); c.870C>T, p.Ala290= (NM_001375608.1); c.903C>T, p.Ala301= (NM_001375609.1); and 2 more.
Identifiers: ClinVar variation 331109 (VCV000331109.16), dbSNP rs200731614, ClinGen allele CA1859488.

ClinVar aggregate classification (germline): Benign/Likely benign. Review status: criteria provided, multiple submitters, no conflicts (2 of 4 stars). 3 submissions from 3 submitters: Benign (1); Likely benign (2). Last evaluated 2026-01-26.

Conditions:
Thrombophilia due to protein C deficiency, autosomal dominant. Also called: PROC DEFICIENCY, AUTOSOMAL DOMINANT; PROTEIN C DEFICIENCY, AUTOSOMAL DOMINANT. Identifiers: Orphanet 745, MedGen C2674321, MONDO:0008316, OMIM 176860. Disease mechanism: loss of function.
Thrombophilia due to protein C deficiency, autosomal recessive. Also called: PROC DEFICIENCY, AUTOSOMAL RECESSIVE; PROTEIN C DEFICIENCY, AUTOSOMAL RECESSIVE. Identifiers: Orphanet 745, MedGen C2676759, MONDO:0012860, OMIM 612304.

Allele frequency attached by ClinVar (database versions not stated): gnomAD 0.00017 and 0.00011; TOPMed 0.00017; ExAC 0.00050; gnomAD exomes 0.00051; 1000 Genomes Project 0.00060; 1000 Genomes Project 30x 0.00078.

Submissions (3):

Labcorp Genetics (formerly Invitae), Labcorp
Classification: Benign for Thrombophilia due to protein C deficiency, autosomal dominant. Last evaluated: 2026-01-26. Review status: criteria provided, single submitter. Criteria: Invitae Variant Classification Sherloc (09022015). Collection method: clinical testing. Allele origin: germline.

Fulgent Genetics
Classification: Likely benign for Thrombophilia due to protein C deficiency, autosomal dominant; Thrombophilia due to protein C deficiency, autosomal recessive. Last evaluated: 2021-11-16. Review status: criteria provided, single submitter. Criteria: ACMG Guidelines, 2015. Collection method: clinical testing. Allele origin: unknown.

Illumina Laboratory Services, Illumina
Classification: Likely benign for Thrombophilia due to protein C deficiency, autosomal dominant. Last evaluated: 2018-01-12. Review status: criteria provided, single submitter. Criteria: ICSL Variant Classification Criteria 13 December 2019. Collection method: clinical testing. Allele origin: germline.
Comment: This variant was observed in the ICSL laboratory as part of a predisposition screen in an ostensibly healthy population. It had not been previously curated by ICSL or reported in the Human Gene Mutation Database (HGMD: prior to June 1st, 2018), and was therefore a candidate for classification through an automated scoring system. Utilizing variant allele frequency, disease prevalence and penetrance estimates, and inheritance mode, an automated score was calculated to assess if this variant is too frequent to cause the disease. Based on the score and internal cut-off values, a variant classified as likely benign is not then subjected to further curation. The score for this variant resulted in a classification of likely benign for this disease.